The following is an entry in ClinVar:

NM_004304.5(ALK):c.3360-2A>G

Gene: ALK (ALK receptor tyrosine kinase; minus strand). Cytogenetic location: 2p23.2.
Variant type: single nucleotide variant.
Coding change: c.3360-2A>G on transcript NM_004304.5 (MANE Select); the canonical splice acceptor site of the intron before coding-DNA position 3360, A replaced by G.
Molecular consequence: splice acceptor variant.
Genome position (GRCh38, 1-based): chr2:29,222,609, T>C on the plus strand (A>G on the coding strand, the complement: ALK is on the minus strand). VCF-style: chr2-29222609-T-C. GRCh37 (hg19) VCF-style: chr2-29445475-T-C.
Other names: c.156-2A>G (NM_001353765.2).
Identifiers: ClinVar variation 1730607 (VCV001730607.2), dbSNP rs2148169457, ClinGen allele CA346464408.

ClinVar aggregate classification (germline): Uncertain significance (1 of 4 stars; one submission).

Conditions:
Hereditary cancer-predisposing syndrome. Also called: Neoplastic Syndromes, Hereditary; Tumor predisposition; Hereditary Cancer Syndrome; Hereditary neoplastic syndrome. Identifiers: Orphanet 140162, MedGen C0027672, MeSH D009386, MONDO:0015356.

Submission:

Ambry Genetics
Classification: Uncertain significance for Hereditary cancer-predisposing syndrome. Last evaluated: 2022-02-10. Review status: criteria provided, single submitter. Criteria: Ambry Variant Classification Scheme 2023. Collection method: clinical testing. Allele origin: germline.
Comment: The c.3360-2A>G intronic variant results from an A to G substitution two nucleotides before coding exon 21 of the ALK gene. This nucleotide position is highly conserved in available vertebrate species. In silico splice site analysis predicts that this alteration will weaken the native splice acceptor site and may result in the creation or strengthening of a novel splice acceptor site. Alterations that disrupt the canonical splice site are expected to cause aberrant splicing, resulting in an abnormal protein or a transcript that is subject to nonsense-mediated mRNA decay. However, loss of function of ALK has not been clearly established as a mechanism of disease. Since supporting evidence is limited at this time, the clinical significance of this alteration remains unclear.